The following is an entry in ClinVar:

ClinVar aggregate classification (germline): Uncertain significance (1 of 4 stars; one submission).

Submission:

Ambry Genetics
Classification: Uncertain significance. Last evaluated: 2023-06-17. Review status: criteria provided, single submitter. Criteria: Ambry Variant Classification Scheme 2023. Collection method: clinical testing. Allele origin: germline.
Comment: The p.G941V variant (also known as c.2822G>T), located in coding exon 23 of the BUB1 gene, results from a G to T substitution at nucleotide position 2822. The glycine at codon 941 is replaced by valine, an amino acid with dissimilar properties. This amino acid position is conserved. In addition, this alteration is predicted to be tolerated by in silico analysis. Since supporting evidence is limited at this time, the clinical significance of this alteration remains unclear.

NM_004336.5(BUB1):c.2822G>T (p.Gly941Val)

Gene: BUB1 (BUB1 mitotic checkpoint serine/threonine kinase; minus strand). Cytogenetic location: 2q13.
Variant type: single nucleotide variant.
Coding change: c.2822G>T on transcript NM_004336.5 (MANE Select); coding-DNA position 2822, G replaced by T.
Protein change: p.Gly941Val; replaces glycine 941 with valine.
Molecular consequence: missense variant.
Genome position (GRCh38, 1-based): chr2:110,641,167, C>A on the plus strand (G>T on the coding strand, the complement: BUB1 is on the minus strand). VCF-style: chr2-110641167-C-A. GRCh37 (hg19) VCF-style: chr2-111398744-C-A.
Other names: c.2762G>T, p.Gly921Val (NM_001278616.2); c.2651G>T, p.Gly884Val (NM_001278617.2); short protein forms G941V, G921V, G884V.
Identifiers: ClinVar variation 2586135 (VCV002586135.2), dbSNP rs2467970485, ClinGen allele CA348089217.